The following is an entry in ClinVar:

NM_015631.6(TCTN3):c.107T>C (p.Leu36Ser)

Genes: TCTN3 (tectonic family member 3; minus strand), LOC130004408 (ATAC-STARR-seq lymphoblastoid active region 3801; plus strand). Cytogenetic location: 10q24.1.
Variant type: single nucleotide variant.
Coding change: c.107T>C on transcript NM_015631.6 (MANE Select); coding-DNA position 107, T replaced by C.
Protein change: p.Leu36Ser; replaces leucine 36 with serine.
Molecular consequence: missense variant.
Genome position (GRCh38, 1-based): chr10:95,693,793, A>G on the plus strand (T>C on the coding strand, the complement: TCTN3 is on the minus strand). VCF-style: chr10-95693793-A-G. GRCh37 (hg19) VCF-style: chr10-97453550-A-G.
Other names: c.161T>C, p.Leu54Ser (NM_001013840.1); c.107T>C, p.Leu36Ser (NM_001143973.2, NM_001410982.1); short protein forms L36S, L54S.
Identifiers: ClinVar variation 2187617 (VCV002187617.1), dbSNP rs1242296012, ClinGen allele CA377713843.
Genomic context (GRCh38, chr10:95,693,793, plus strand): 5'-GTTGCAGTCGCCTCTGAAGGGGACTGGAGGGTTCCGCCATCCGTCCCTCGCTGCAGCTCC[A>G]AAGACGTGGGCACTGCCCCTGATGGGGAGGAAGAGGGCTGAGGCCGGACGCCATCGGGGA-3'
Protein context (NP_056446.4, residues 26-46): SSPSGAVPTS[Leu36Ser]ELQRGTDGGT

ClinVar aggregate classification (germline): Uncertain significance (1 of 4 stars; one submission).

Conditions:
Joubert syndrome 18 (JBTS18). Identifiers: Orphanet 2754, MedGen C3553758, MONDO:0013896, OMIM 614815.
Orofacial-digital syndrome IV (OFD4). Also called: BARAITSER-BURN SYNDROME; OFD SYNDROME WITH TIBIAL DEFECTS; OFD SYNDROME, BARAITSER-BURN TYPE; OFDS IV; ORAL-FACIAL-DIGITAL SYNDROME, TYPE IV; Orofaciodigital syndrome IV. Identifiers: Orphanet 2753, MedGen C0406727, MONDO:0009794, OMIM 258860.

Allele frequency attached by ClinVar (database versions not stated): gnomAD 0.00001; gnomAD exomes 0.00001.
gnomAD v4.1: 14 of 1,551,550 alleles (0.0009%); highest among the groups gnomAD compares: Admixed American, 0.002%; no homozygotes.

Submission:

Labcorp Genetics (formerly Invitae), Labcorp
Classification: Uncertain significance for Joubert syndrome 18; Orofacial-digital syndrome IV. Last evaluated: 2022-09-21. Review status: criteria provided, single submitter. Criteria: Invitae Variant Classification Sherloc (09022015). Collection method: clinical testing. Allele origin: germline.
Comment: This sequence change replaces leucine, which is neutral and non-polar, with serine, which is neutral and polar, at codon 36 of the TCTN3 protein (p.Leu36Ser). This variant is present in population databases (no rsID available, gnomAD 0.004%). This variant has not been reported in the literature in individuals affected with TCTN3-related conditions. Algorithms developed to predict the effect of missense changes on protein structure and function output the following: SIFT: "Tolerated"; PolyPhen-2: "Benign"; Align-GVGD: "Class C0". The serine amino acid residue is found in multiple mammalian species, which suggests that this missense change does not adversely affect protein function. In summary, the available evidence is currently insufficient to determine the role of this variant in disease. Therefore, it has been classified as a Variant of Uncertain Significance.